The following is an entry in ClinVar:

ClinVar aggregate classification (germline): Benign/Likely benign. Review status: criteria provided, multiple submitters, no conflicts (2 of 4 stars). 3 submissions from 3 submitters: Benign (1); Likely benign (2). Last evaluated 2026-01-20.

Conditions:
Hypercholesterolemia, autosomal dominant, 3 (FHCL3). Also called: Familial Hypercholesterolemia, Autosomal Dominant, 3; PCSK9-Related Familial Hypercholesterolemia, Autosomal Dominant; Familial hypercholesterolemia 3. Identifiers: MedGen C1863551, MONDO:0011369, OMIM 603776.

Submissions (3):

Labcorp Genetics (formerly Invitae), Labcorp
Classification: Likely benign for Hypercholesterolemia, autosomal dominant, 3. Last evaluated: 2026-01-20. Review status: criteria provided, single submitter. Criteria: Invitae Variant Classification Sherloc (09022015). Collection method: clinical testing. Allele origin: germline.

Blueprint Genetics
Classification: Likely benign. Last evaluated: 2024-11-26. Review status: criteria provided, single submitter. Criteria: ACMG Guidelines, 2015. Collection method: clinical testing. Allele origin: germline.

Women's Health and Genetics/Laboratory Corporation of America, LabCorp
Classification: Benign. Last evaluated: 2019-09-30. Review status: criteria provided, single submitter. Criteria: LabCorp Variant Classification Summary - May 2015. Collection method: clinical testing. Allele origin: germline.
Comment: Variant summary: PCSK9 c.1503+68_1503+71dupGTGT is located at a highly polymorphic GT repeat region in intron and not widely known to affect splicing. 4/4 computational tools predict no significant impact on normal splicing. However, these predictions have yet to be confirmed by functional studies. The variant was absent in 149146 control chromosomes (gnomAD). The available data on variant occurrences in the general population are insufficient to allow any conclusion about variant significance. To our knowledge, no occurrence of c.1503+68_1503+71dupGTGT in individuals affected with Familial Hypercholesterolemia and no experimental evidence demonstrating its impact on protein function have been reported. One database lists this variant as benign (LOVD). Based on the evidence outlined above, the variant was classified as benign.

NM_174936.4(PCSK9):c.1503+20GT[28]

Gene: PCSK9 (proprotein convertase subtilisin/kexin type 9; plus strand). Cytogenetic location: 1p32.3.
Variant type: Microsatellite.
Coding change: c.1503+20GT[28] on transcript NM_174936.4 (MANE Select); 28 copies in a row of the 2-base unit GT starting at c.1503+20; the reference has 26 copies in a row; two copies, 4 bases duplicated.
Molecular consequence: intron variant.
Genome position (GRCh38, 1-based): chr1:55,058,715-55,058,718, GTGT duplicated; duplicating any 4 consecutive bases within chr1:55,058,667-55,058,718 gives the same sequence; the position shown is the placement nearest the transcript's 3' end. VCF-style (leftmost placement, unchanged base first): chr1-55058666-C-CGTGT. GRCh37 (hg19) VCF-style: chr1-55524339-C-CGTGT.
Identifiers: ClinVar variation 928567 (VCV000928567.10), dbSNP rs35115360, ClinGen allele CA737002801.
Genomic context (GRCh38, chr1:55,058,666, plus strand): 5'-AGTTTCTCCAGGAGTGGGAAGCGGCGGGGCGAGCGCATGGAGGTGACTGTACCCCTCCTT[C>CGTGT]GTGTGTGTGTGTGTGTGTGTGTGTGTGTGTGTGTGTGTGTGTGTGTGTGTGTCAGTGCTG-3'